The following is an entry in ClinVar:

ClinVar aggregate classification (germline): Pathogenic (1 of 4 stars; one submission).

Conditions:
Mucopolysaccharidosis, MPS-III-C (MPS3C). Also called: MPS III C; MUCOPOLYSACCHARIDOSIS, TYPE IIIC; Mucopolysaccharidosis type IIIC (Sanfilippo C); mucopolysaccharidosis type 3C; MPS IIIC (Sanfilippo Syndrome Type C); SANFILIPPO SYNDROME C. Identifiers: Orphanet 581, Orphanet 79271, MedGen C0086649, MONDO:0009657, OMIM 252930.

Submission:

Myriad Genetics, Inc.
Classification: Pathogenic for Mucopolysaccharidosis, MPS-III-C. Last evaluated: 2024-04-22. Review status: criteria provided, single submitter. Criteria: Myriad Autosomal Dominant, Autosomal Recessive and X-Linked Classification Criteria (2023). Collection method: clinical testing. Allele origin: unknown.
Comment: NM_152419.2(HGSNAT):c.805delC(H269Mfs*7) is expected to be pathogenic in the context of mucopolysaccharidosis type IIIC. This variant is predicted to lead to an abnormal or absent protein product due to the creation of a premature termination codon in HGSNAT, a gene where loss-of-function variants are known to be pathogenic. Please note: this variant was assessed in the context of healthy population screening.

NM_152419.3(HGSNAT):c.805del (p.His269fs)

Gene: HGSNAT (heparan-alpha-glucosaminide N-acetyltransferase; plus strand). Cytogenetic location: 8p11.21.
Variant type: Deletion.
Coding change: c.805del on transcript NM_152419.3 (MANE Select); coding-DNA position 805, one base deleted (C; older notation c.805delC).
Protein change: p.His269fs; shifts the reading frame from histidine 269.
Molecular consequence: frameshift variant. On other transcripts: 5 prime UTR variant (1).
Genome position (GRCh38, 1-based): chr8:43,172,371, C deleted. VCF-style (leftmost placement, unchanged base first): chr8-43172370-AC-A. GRCh37 (hg19) VCF-style: chr8-43027513-AC-A.
Other names: c.805del, p.His269fs (NM_001363227.2, NM_001363228.2); c.-29del (NM_001363229.2); short protein forms H269fs.
Identifiers: ClinVar variation 5012938 (VCV005012938.1).